The following is an entry in ClinVar:

ClinVar aggregate classification (germline): Uncertain significance (1 of 4 stars; one submission).

Submission:

Labcorp Genetics (formerly Invitae), Labcorp
Classification: Uncertain significance. Last evaluated: 2021-11-04. Review status: criteria provided, single submitter. Criteria: Invitae Variant Classification Sherloc (09022015). Collection method: clinical testing. Allele origin: germline.
Comment: This variant is not present in population databases (gnomAD no frequency). In summary, the available evidence is currently insufficient to determine the role of this variant in disease. Therefore, it has been classified as a Variant of Uncertain Significance. Algorithms developed to predict the effect of missense changes on protein structure and function are either unavailable or do not agree on the potential impact of this missense change (SIFT: "Deleterious"; PolyPhen-2: "Benign"; Align-GVGD: "Class C65"). This variant has not been reported in the literature in individuals affected with VCAN-related conditions. This sequence change replaces proline, which is neutral and non-polar, with serine, which is neutral and polar, at codon 3090 of the VCAN protein (p.Pro3090Ser).

NM_004385.5(VCAN):c.9268C>T (p.Pro3090Ser)

Genes: VCAN (versican; plus strand), VCAN-AS1 (VCAN antisense RNA 1; minus strand). Cytogenetic location: 5q14.3.
Variant type: single nucleotide variant.
Coding change: c.9268C>T on transcript NM_004385.5 (MANE Select); coding-DNA position 9268, C replaced by T.
Protein change: p.Pro3090Ser; replaces proline 3090 with serine.
Molecular consequence: missense variant.
Genome position (GRCh38, 1-based): chr5:83,545,539, C>T. VCF-style: chr5-83545539-C-T. GRCh37 (hg19) VCF-style: chr5-82841358-C-T.
Other names: c.1045C>T, p.Pro349Ser (NM_001126336.3); c.6307C>T, p.Pro2103Ser (NM_001164097.2); c.4006C>T, p.Pro1336Ser (NM_001164098.2); short protein forms P2103S, P1336S, P3090S, P349S.
Identifiers: ClinVar variation 1391238 (VCV001391238.6), dbSNP rs1212873741, ClinGen allele CA360296186.
Genomic context (GRCh38, chr5:83,545,539, plus strand): 5'-TACACGCAAACATTAGAGACGAGCCTAACTGCTTTTCTTACTTTCCTGAATATGGTAGGA[C>T]CTGATCGCTGCAAAATGAACCCGTGCCTTAACGGAGGCACCTGTTATCCTACTGAAACTT-3'
Protein context (NP_004376.2, residues 3080-3100): VEGTAIYLPG[Pro3090Ser]DRCKMNPCLN